The following is an entry in ClinVar:

NM_001244008.2(KIF1A):c.3905G>A (p.Arg1302His)

Gene: KIF1A (kinesin family member 1A; minus strand). Cytogenetic location: 2q37.3.
Variant type: single nucleotide variant.
Coding change: c.3905G>A on transcript NM_001244008.2 (MANE Select); coding-DNA position 3905, G replaced by A.
Protein change: p.Arg1302His; replaces arginine 1302 with histidine.
Molecular consequence: missense variant.
Genome position (GRCh38, 1-based): chr2:240,737,165, C>T on the plus strand (G>A on the coding strand, the complement: KIF1A is on the minus strand). VCF-style: chr2-240737165-C-T. GRCh37 (hg19) VCF-style: chr2-241676582-C-T.
Other names: c.3629G>A, p.Arg1210His (NM_001320705.2, NM_001330289.2, NM_001379638.1); c.3704G>A, p.Arg1235His (NM_001330290.2, NM_001379634.1, NM_001379635.1 and 1 more transcripts); c.3980G>A, p.Arg1327His (NM_001379631.1); c.3854G>A, p.Arg1285His (NM_001379632.1); c.3878G>A, p.Arg1293His (NM_001379633.1, NM_001379642.1, NM_001379645.1); c.3716G>A, p.Arg1239His (NM_001379636.1); c.3677G>A, p.Arg1226His (NM_001379637.1, NM_001379648.1); c.3602G>A, p.Arg1201His (NM_001379639.1, NM_001379641.1, NM_001379649.1 and 4 more transcripts); and 1 more; short protein forms R1201H, R1302H, R1210H, R1235H, R1200H, R1226H, R1239H, R1285H.
Identifiers: ClinVar variation 464239 (VCV000464239.13), dbSNP rs376697478, ClinGen allele CA2207584.

ClinVar aggregate classification (germline): Conflicting classifications of pathogenicity. Review status: criteria provided, conflicting classifications (1 of 4 stars). 3 submissions from 3 submitters: Uncertain significance (1); Likely benign (2). Last evaluated 2025-12-19.

Conditions:
Neuropathy, hereditary sensory, type 2C. Also called: Hereditary sensory and autonomic neuropathy type IIC; KIF1A-Related HSAN2 (HSAN2C). Identifiers: Orphanet 970, MedGen C3280168, MONDO:0013634, OMIM 614213.
Intellectual disability, autosomal dominant 9 (NESCAVS). Also called: NESCAV SYNDROME; KIF1A-Related Neurodevelopmental Disorder. Identifiers: Orphanet 662367, MedGen C5393830, MONDO:0013656, OMIM 614255.
Hereditary spastic paraplegia 30. Identifiers: Orphanet 101010, MedGen C5235139, MONDO:0012476.

Allele frequency attached by ClinVar (database versions not stated): gnomAD 0.00001; TOPMed 0.00002; gnomAD exomes 0.00003 and 0.00004; ExAC 0.00004; ESP Exome Variant Server 0.00008.
gnomAD v4.1: 39 of 1,612,536 alleles (0.0024%); highest among the groups gnomAD compares: Admixed American, 0.005%; no homozygotes.

Submissions (3):

Labcorp Genetics (formerly Invitae), Labcorp
Classification: Likely benign for Hereditary spastic paraplegia 30; Neuropathy, hereditary sensory, type 2C; Intellectual disability, autosomal dominant 9. Last evaluated: 2025-12-19. Review status: criteria provided, single submitter. Criteria: Invitae Variant Classification Sherloc (09022015). Collection method: clinical testing. Allele origin: germline.

Women's Health and Genetics/Laboratory Corporation of America, LabCorp
Classification: Likely benign. Last evaluated: 2025-11-28. Review status: criteria provided, single submitter. Criteria: LabCorp Variant Classification Summary - May 2015. Collection method: clinical testing. Allele origin: germline.
Comment: Variant summary: KIF1A c.3602G>A (p.Arg1201His) results in a non-conservative amino acid change in the encoded protein sequence. Algorithms developed to predict the effect of missense changes on protein structure and function all suggest that this variant is likely to be disruptive. The variant allele was found at a frequency of 4e-05 in 249176 control chromosomes. The observed variant frequency exceeds the estimated maximal expected allele frequency for disease-causing variants in KIF1A. To our knowledge, no occurrence of c.3602G>A in individuals affected with KIF1A-related conditions and no experimental evidence demonstrating its impact on protein function have been reported. ClinVar contains an entry for this variant (Variation ID: 464239). Based on the evidence outlined above, the variant was classified as likely benign.

GeneDx
Classification: Uncertain significance. Last evaluated: 2025-02-25. Review status: criteria provided, single submitter. Criteria: GeneDx Variant Classification Process June 2021. Collection method: clinical testing. Allele origin: germline. Affected: yes.
Comment: In silico analysis supports that this missense variant has a deleterious effect on protein structure/function; Has not been previously published as pathogenic or benign to our knowledge